The following is an entry in ClinVar:

ClinVar aggregate classification (germline): Benign/Likely benign. Review status: criteria provided, multiple submitters, no conflicts (2 of 4 stars). 24 submissions from 17 submitters: Benign (16); Likely benign (5). 3 of the submissions do not count toward it. Last evaluated 2026-02-04.

Conditions:
Dilated cardiomyopathy 1G (CMD1G). Identifiers: Orphanet 154, MedGen C1858763, MONDO:0011400, OMIM 604145.
Autosomal recessive limb-girdle muscular dystrophy type 2J (LGMDR10). Also called: MUSCULAR DYSTROPHY, LIMB-GIRDLE, AUTOSOMAL RECESSIVE 10; Limb-girdle muscular dystrophy, type 2J. Identifiers: Orphanet 140922, MedGen C1837342, MONDO:0012127, OMIM 608807.
Cardiovascular phenotype. Identifiers: MedGen CN230736.
Cardiomyopathy (CMYO). Also called: Cardiomyopathies. Identifiers: Orphanet 167848, MedGen C0878544, MONDO:0004994, HP:0001638. Inheritance: Various modes of inheritance.
Early-onset myopathy with fatal cardiomyopathy (CMYO5). Also called: CONGENITAL MYOPATHY 5 WITH CARDIOMYOPATHY; Salih Myopathy. Identifiers: Orphanet 289377, MedGen C2673677, MONDO:0012714, OMIM 611705. Disease mechanism: loss of function.
Myopathy, myofibrillar, 9, with early respiratory failure (MFM9). Also called: Myopathy, distal, with early respiratory failure, autosomal dominant; Hereditary myopathy with early respiratory failure; MYOPATHY, PROXIMAL, WITH EARLY RESPIRATORY MUSCLE INVOLVEMENT; EDSTROM MYOPATHY. Identifiers: Orphanet 178464, Orphanet 34521, MedGen C1863599, MONDO:0011362, OMIM 603689.
Tibial muscular dystrophy (TMD). Also called: Udd Distal Myopathy – Tibial Muscular Dystrophy; Tibial muscular dystrophy, tardive; UDD MYOPATHY. Identifiers: Orphanet 609, MedGen C1838244, MONDO:0010870, OMIM 600334.

Allele frequency attached by ClinVar (database versions not stated): gnomAD exomes 0.00167 and 0.00064; gnomAD 0.00632 and 0.00682; 1000 Genomes Project 30x 0.00781; ExAC 0.00206; 1000 Genomes Project 0.00699; TOPMed 0.00730; ESP Exome Variant Server 0.00893.
gnomAD v4.1: 1,928 of 1,613,738 alleles (0.12%); highest among the groups gnomAD compares: African/African-American, 2.3%; 22 homozygotes.

Submissions (24):

Labcorp Genetics (formerly Invitae), Labcorp
Classification: Benign for Dilated cardiomyopathy 1G; Autosomal recessive limb-girdle muscular dystrophy type 2J. Last evaluated: 2026-02-04. Review status: criteria provided, single submitter. Criteria: Invitae Variant Classification Sherloc (09022015). Collection method: clinical testing. Allele origin: germline.

Molecular Diagnostic Laboratory for Inherited Cardiovascular Disease, Montreal Heart Institute
Classification: Benign. Last evaluated: 2025-04-09. Review status: criteria provided, single submitter. Criteria: ACMG Guidelines, 2015. Collection method: clinical testing. Allele origin: germline. Affected: no.

ARUP Laboratories, Molecular Genetics and Genomics, ARUP Laboratories
Classification: Benign. Last evaluated: 2025-04-08. Review status: criteria provided, single submitter. Criteria: ARUP Molecular Germline Variant Investigation Process 2024. Collection method: clinical testing. Allele origin: germline.

Blueprint Genetics
Classification: Likely benign. Last evaluated: 2024-11-13. Review status: criteria provided, single submitter. Criteria: ACMG Guidelines, 2015. Collection method: clinical testing. Allele origin: germline.

Mayo Clinic Laboratories, Mayo Clinic
Classification: Benign. Last evaluated: 2024-09-09. Review status: criteria provided, single submitter. Criteria: ACMG Guidelines, 2015. Collection method: clinical testing. Allele origin: germline. Observed: 12 variant alleles.

Genome-Nilou Lab
Classification: Benign for Autosomal recessive limb-girdle muscular dystrophy type 2J. Last evaluated: 2021-09-10. Review status: criteria provided, single submitter. Criteria: ACMG Guidelines, 2015. Collection method: clinical testing. Allele origin: germline. Affected: no.

Genome-Nilou Lab
Classification: Benign for Myopathy, myofibrillar, 9, with early respiratory failure. Last evaluated: 2021-09-10. Review status: criteria provided, single submitter. Criteria: ACMG Guidelines, 2015. Collection method: clinical testing. Allele origin: germline. Affected: no.

Genome-Nilou Lab
Classification: Benign for Early-onset myopathy with fatal cardiomyopathy. Last evaluated: 2021-09-10. Review status: criteria provided, single submitter. Criteria: ACMG Guidelines, 2015. Collection method: clinical testing. Allele origin: germline. Affected: no.

Genome-Nilou Lab
Classification: Benign for Tibial muscular dystrophy. Last evaluated: 2021-09-10. Review status: criteria provided, single submitter. Criteria: ACMG Guidelines, 2015. Collection method: clinical testing. Allele origin: germline. Affected: no.

Women's Health and Genetics/Laboratory Corporation of America, LabCorp
Classification: Benign. Last evaluated: 2020-04-12. Review status: criteria provided, single submitter. Criteria: LabCorp Variant Classification Summary - May 2015. Collection method: clinical testing. Allele origin: germline.

Athena Diagnostics
Classification: Benign. Last evaluated: 2019-11-07. Review status: criteria provided, single submitter. Criteria: Athena Diagnostics Criteria. Collection method: clinical testing. Allele origin: unknown.

Illumina Laboratory Services, Illumina
Classification: Likely benign for Dilated cardiomyopathy 1G. Last evaluated: 2018-01-13. Review status: criteria provided, single submitter. Criteria: ICSL Variant Classification Criteria 13 December 2019. Collection method: clinical testing. Allele origin: germline.
Comment: This variant was observed in the ICSL laboratory as part of a predisposition screen in an ostensibly healthy population. It had not been previously curated by ICSL or reported in the Human Gene Mutation Database (HGMD: prior to June 1st, 2018), and was therefore a candidate for classification through an automated scoring system. Utilizing variant allele frequency, disease prevalence and penetrance estimates, and inheritance mode, an automated score was calculated to assess if this variant is too frequent to cause the disease. Based on the score and internal cut-off values, a variant classified as likely benign is not then subjected to further curation. The score for this variant resulted in a classification of likely benign for this disease.

Illumina Laboratory Services, Illumina
Classification: Likely benign for Autosomal recessive limb-girdle muscular dystrophy type 2J. Last evaluated: 2018-01-13. Review status: criteria provided, single submitter. Criteria: ICSL Variant Classification Criteria 13 December 2019. Collection method: clinical testing. Allele origin: germline.
Comment: the same text as in the submission from Illumina Laboratory Services, Illumina above.

Illumina Laboratory Services, Illumina
Classification: Likely benign for Early-onset myopathy with fatal cardiomyopathy. Last evaluated: 2018-01-13. Review status: criteria provided, single submitter. Criteria: ICSL Variant Classification Criteria 13 December 2019. Collection method: clinical testing. Allele origin: germline.
Comment: the same text as in the submission from Illumina Laboratory Services, Illumina above.

Illumina Laboratory Services, Illumina
Classification: Benign for Myopathy, myofibrillar, 9, with early respiratory failure. Last evaluated: 2018-01-13. Review status: criteria provided, single submitter. Criteria: ICSL Variant Classification Criteria 13 December 2019. Collection method: clinical testing. Allele origin: germline.
Comment: This variant was observed in the ICSL laboratory as part of a predisposition screen in an ostensibly healthy population. It had not been previously curated by ICSL or reported in the Human Gene Mutation Database (HGMD: prior to June 1st, 2018), and was therefore a candidate for classification through an automated scoring system. Utilizing variant allele frequency, disease prevalence and penetrance estimates, and inheritance mode, an automated score was calculated to assess if this variant is too frequent to cause the disease. Based on the score and internal cut-off values, a variant classified as benign is not then subjected to further curation. The score for this variant resulted in a classification of benign for this disease.

Illumina Laboratory Services, Illumina
Classification: Benign for Tibial muscular dystrophy. Last evaluated: 2018-01-13. Review status: criteria provided, single submitter. Criteria: ICSL Variant Classification Criteria 13 December 2019. Collection method: clinical testing. Allele origin: germline.
Comment: the same text as in the submission from Illumina Laboratory Services, Illumina above.

CHEO Genetics Diagnostic Laboratory, Children's Hospital of Eastern Ontario
Classification: Benign for Cardiomyopathy. Last evaluated: 2017-09-11. Review status: criteria provided, single submitter. Criteria: ACMG Guidelines, 2015. Collection method: clinical testing. Allele origin: germline. Study: Canadian Open Genetics Repository.

GeneDx
Classification: Benign. Last evaluated: 2014-03-14. Review status: criteria provided, single submitter. Criteria: GeneDx Variant Classification (06012015). Collection method: clinical testing. Allele origin: germline. Affected: yes.
Comment: This variant is considered likely benign or benign based on one or more of the following criteria: it is a conservative change, it occurs at a poorly conserved position in the protein, it is predicted to be benign by multiple in silico algorithms, and/or has population frequency not consistent with disease.

Ambry Genetics
Classification: Benign for Cardiovascular phenotype. Last evaluated: 2013-09-13. Review status: criteria provided, single submitter. Criteria: Ambry Autosomal Dominant and X-Linked criteria (10/2015). Collection method: clinical testing. Allele origin: germline. Observed: 1 variant allele.

Laboratory for Molecular Medicine, Mass General Brigham Personalized Medicine
Classification: Benign. Last evaluated: 2012-07-10. Review status: criteria provided, single submitter. Criteria: LMM Criteria. Collection method: clinical testing. Allele origin: germline. Observed: 11 variant alleles.
Comment: Tyr30469Tyr in Exon 303 of TTN: This variant is not expected to have clinical si gnificance because it does not alter an amino acid residue, is not located withi n the splice consensus sequence and has been identified in 2.8% (87/3134) of Afr ican American chromosomes from a broad population by the NHLBI Exome Sequencing Project (dbSNP rs77257306).

Breakthrough Genomics
Classification: Likely benign. Review status: criteria provided, single submitter. Criteria: ACMG Guidelines, 2015. Collection method: not provided. Allele origin: germline. Inheritance: Autosomal recessive inheritance. Affected: yes.

Clinical Genetics DNA and cytogenetics Diagnostics Lab, Erasmus MC, Erasmus Medical Center
Classification: Benign. Review status: no assertion criteria provided. Collection method: clinical testing. Allele origin: germline. Affected: yes. Study: VKGL Data-share Consensus. Not counted in ClinVar's aggregate classification.

Clinical Genetics, Academic Medical Center
Classification: Benign. Review status: no assertion criteria provided. Collection method: clinical testing. Allele origin: germline. Affected: yes. Study: VKGL Data-share Consensus. Not counted in ClinVar's aggregate classification.

Diagnostic Laboratory, Department of Genetics, University Medical Center Groningen
Classification: Likely benign. Review status: no assertion criteria provided. Collection method: clinical testing. Allele origin: germline. Affected: yes. Study: VKGL Data-share Consensus. Not counted in ClinVar's aggregate classification.

NM_001267550.2(TTN):c.99111T>C (p.Tyr33037=)

Genes: TTN (titin; minus strand), TTN-AS1 (TTN antisense RNA 1; plus strand). Cytogenetic location: 2q31.2.
Variant type: single nucleotide variant.
Coding change: c.99111T>C on transcript NM_001267550.2 (MANE Select); coding-DNA position 99111, T replaced by C.
Protein change: p.Tyr33037=; no amino-acid change (tyrosine 33037 retained).
Molecular consequence: synonymous variant. On other transcripts: non-coding transcript variant (1).
Genome position (GRCh38, 1-based): chr2:178,538,718, A>G on the plus strand (T>C on the coding strand, the complement: TTN is on the minus strand). VCF-style: chr2-178538718-A-G. GRCh37 (hg19) VCF-style: chr2-179403445-A-G.
Other names: p.Y30469Y:TAT>TAC; p.Tyr30469=; c.71916T>C, p.Tyr23972= (NM_003319.4); c.91407T>C, p.Tyr30469= (NM_133378.4); c.72291T>C, p.Tyr24097= (NM_133432.3); c.72492T>C, p.Tyr24164= (NM_133437.4); c.94188T>C, p.Tyr31396= (NM_001256850.1).
Identifiers: ClinVar variation 47613 (VCV000047613.39), dbSNP rs77257306, ClinGen allele CA284194.